The following is an entry in ClinVar:

NM_153460.4(IL17RC):c.1201C>T (p.Arg401Ter)

Gene: IL17RC (interleukin 17 receptor C; plus strand). Cytogenetic location: 3p25.3.
Variant type: single nucleotide variant.
Coding change: c.1201C>T on transcript NM_153460.4 (MANE Select); coding-DNA position 1201, C replaced by T.
Protein change: p.Arg401Ter; replaces arginine 401 with a stop codon.
Molecular consequence: nonsense. On other transcripts: non-coding transcript variant (1).
Genome position (GRCh38, 1-based): chr3:9,930,072, C>T. VCF-style: chr3-9930072-C-T. GRCh37 (hg19) VCF-style: chr3-9971756-C-T.
Other names: c.1414C>T, p.Arg472Ter (NM_153461.4); c.1201C>T, p.Arg401Ter (NM_001203263.2); c.1150C>T, p.Arg384Ter (NM_001203264.2); c.1105C>T, p.Arg369Ter (NM_001203265.2); c.1162C>T, p.Arg388Ter (NM_001367278.1); c.1081C>T, p.Arg361Ter (NM_001367279.1); c.1156C>T, p.Arg386Ter (NM_001367280.1, NM_032732.6); short protein forms R361*, R369*, R384*, R386*, R388*, R401*, R472*.
Identifiers: ClinVar variation 4845831 (VCV004845831.1), dbSNP rs772782362.

ClinVar aggregate classification (germline): Likely pathogenic (1 of 4 stars; one submission).

Conditions:
Candidiasis, familial, 9 (CANDF9). Identifiers: Orphanet 1334, MedGen C4225324, MONDO:0014642, OMIM 616445.

gnomAD v4.1: 17 of 1,613,944 alleles (0.0011%); highest among the groups gnomAD compares: Admixed American, 0.0017%; no homozygotes.

Submission:

First Genomix Gene Laboratory, Genetic Diagnostics Department
Classification: Likely pathogenic for Candidiasis, familial, 9. Last evaluated: 2025-03-27. Review status: criteria provided, single submitter. Criteria: ACMG Guidelines, 2015. Collection method: clinical testing. Allele origin: germline. Inheritance: Autosomal recessive inheritance. Affected: no. Observed: 1 variant allele.